The following is an entry in ClinVar:

NM_001195248.2(APTX):c.940_956del (p.Lys314fs)

Gene: APTX (aprataxin; minus strand). Cytogenetic location: 9p21.1.
Variant type: Deletion.
Coding change: c.940_956del on transcript NM_001195248.2 (MANE Select); coding-DNA positions 940 to 956, 17 bases deleted (AAGCTGCCCCTTCGTTG).
Protein change: p.Lys314fs; shifts the reading frame from lysine 314.
Molecular consequence: frameshift variant. On other transcripts: 3 prime UTR variant (4), non-coding transcript variant (13).
Genome position (GRCh38, 1-based): chr9:32,973,571-32,973,587, CAACGAAGGGGCAGCTT deleted on the plus strand (AAGCTGCCCCTTCGTTG on the coding strand, the reverse complement: APTX is on the minus strand); deleting any 17 consecutive bases within chr9:32,973,571-32,973,590 gives the same sequence; the c. name uses the placement nearest the transcript's 3' end. VCF-style (leftmost placement, unchanged base first): chr9-32973570-ACAACGAAGGGGCAGCTT-A. GRCh37 (hg19) VCF-style: chr9-32973568-ACAACGAAGGGGCAGCTT-A.
Other names: c.940_956del, p.Lys314fs (NM_001195249.2, NM_001368995.1, NM_001368996.1 and 3 more transcripts); c.778_794del, p.Lys260fs (NM_001195250.2, NM_001195254.2, NM_001369000.1 and 1 more transcripts); c.*97_*113del (NM_001195251.2, NM_001368999.1, NM_001369006.1 and 1 more transcripts); c.724_740del, p.Lys242fs (NM_001195252.2); c.676_692del, p.Lys226fs (NM_001369002.1, NM_001369003.1, NM_001369004.1 and 4 more transcripts); short protein forms K242fs, K260fs, K226fs, K314fs.
Identifiers: ClinVar variation 870836 (VCV000870836.41), dbSNP rs1828552847, ClinGen allele CA1123015357.

ClinVar aggregate classification (germline): Conflicting classifications of pathogenicity. Review status: criteria provided, conflicting classifications (1 of 4 stars). 2 submissions from 2 submitters: Pathogenic (1); Uncertain significance (1). Last evaluated 2025-01-31.

Conditions:
Ataxia, early-onset, with oculomotor apraxia and hypoalbuminemia (EAOH). Also called: ATAXIA-OCULOMOTOR APRAXIA SYNDROME; ATAXIA-TELANGIECTASIA-LIKE SYNDROME; Ataxia-oculomotor apraxia type 1. Identifiers: Orphanet 1168, MedGen C1859598, MONDO:0008842, OMIM 208920.

Submissions (2):

3billion
Classification: Uncertain significance for Ataxia, early-onset, with oculomotor apraxia and hypoalbuminemia. Last evaluated: 2025-01-31. Review status: criteria provided, single submitter. Criteria: ACMG Guidelines, 2015. Collection method: clinical testing. Allele origin: germline. Affected: yes.
Comment: The variant is observed at an extremely low frequency in the gnomAD v4.1.0 dataset (total allele frequency: <0.001%). Predicted Consequence/Location: Frameshift: predicted to result in a loss or disruption of normal protein function through protein truncation. The predicted truncated protein may be shortened by less than 10%. The variant has been reported to be associated with APTX-related disorder (ClinVar ID: VCV000870836). However, the evidence of pathogenicity is insufficient at this time. Therefore, this variant is classified as VUS according to the recommendation of ACMG/AMP guideline.

CeGaT Center for Human Genetics Tuebingen
Classification: Pathogenic. Last evaluated: 2018-11-01. Review status: criteria provided, single submitter. Criteria: CeGaT Center For Human Genetics Tuebingen Variant Classification Criteria Version 2. Collection method: clinical testing. Allele origin: germline. Affected: yes. Observed: 1 variant allele.

Literature cited by the submitters: PubMed 26285866 (cited by 3billion).